The following is an entry in ClinVar:

ClinVar aggregate classification (germline): Uncertain significance. Review status: criteria provided, multiple submitters, no conflicts (2 of 4 stars). 2 submissions from 2 submitters: Uncertain significance (2). Last evaluated 2025-08-21.

Conditions:
Inborn genetic diseases. Identifiers: MedGen C0950123, MeSH D030342.
DYRK1A-related intellectual disability syndrome (MRD7). Also called: DYRK1A Syndrome; Intellectual developmental disorder, autosomal dominant 7. Identifiers: Orphanet 464306, MedGen C5568143, MONDO:0013578, OMIM 614104.

Allele frequency attached by ClinVar (database versions not stated): TOPMed 0.00002.
gnomAD v4.1: 3 of 1,612,440 alleles (0.00019%); no homozygotes.

Submissions (2):

Ambry Genetics
Classification: Uncertain significance for Inborn genetic diseases. Last evaluated: 2025-08-21. Review status: criteria provided, single submitter. Criteria: Ambry Variant Classification Scheme 2023. Collection method: clinical testing. Allele origin: germline.

New York Genome Center
Classification: Uncertain significance for DYRK1A-related intellectual disability syndrome. Last evaluated: 2021-01-22. Review status: criteria provided, single submitter. Criteria: NYGC Assertion Criteria 2020. Collection method: clinical testing. Allele origin: germline. Observed: 1 heterozygote. Study: CSER-NYCKidSeq.
Comment: The c.962C>T (p.Pro321Leu) variant identified in the DYRK1A gene substitutes a very well conserved Proline for Leucine at amino acid 321/755 (exon 8/12). This variant is absent from gnomAD(v3.1) suggesting it is not a common benign variant in the populations represented in that database. In silico algorithms predict this variant to be Damaging (SIFT; score:0.00) and Pathogenic (REVEL; score: 0.845) to the function of the canonical transcript. This variant is absent from ClinVar and to our current knowledge has not been reported in affected individuals in the literature. The p.Pro321 residue is within the Protein Kinase Domain of DYRK1A where many other pathogenic missense variants have been reported [PMID:29034068]. The c.962C>T (p.Pro321Leu) variant identified in the DYRK1A gene is reported as a Variant of Uncertain Significance.

NM_001347721.2(DYRK1A):c.962C>T (p.Pro321Leu)

Gene: DYRK1A (dual specificity tyrosine phosphorylation regulated kinase 1A; plus strand). Cytogenetic location: 21q22.13.
Variant type: single nucleotide variant.
Coding change: c.962C>T on transcript NM_001347721.2 (MANE Select); coding-DNA position 962, C replaced by T.
Protein change: p.Pro321Leu; replaces proline 321 with leucine.
Molecular consequence: missense variant.
Genome position (GRCh38, 1-based): chr21:37,493,054, C>T. VCF-style: chr21-37493054-C-T. GRCh37 (hg19) VCF-style: chr21-38865356-C-T.
Other names: c.962C>T, p.Pro321Leu (NM_001347722.2, NM_130436.2); c.875C>T, p.Pro292Leu (NM_001347723.2); c.989C>T, p.Pro330Leu (NM_001396.5, NM_101395.2, NM_130438.2); c.989C>T (NM_001396.3); short protein forms P292L, P321L, P330L.
Identifiers: ClinVar variation 1341804 (VCV001341804.2), dbSNP rs2053148979, ClinGen allele CA409936447.